The following is an entry in ClinVar:

NM_001365999.1(SZT2):c.8063G>T (p.Arg2688Leu)

Gene: SZT2 (SZT2 subunit of KICSTOR complex; plus strand). Cytogenetic location: 1p34.2.
Variant type: single nucleotide variant.
Coding change: c.8063G>T on transcript NM_001365999.1 (MANE Select); coding-DNA position 8063, G replaced by T.
Protein change: p.Arg2688Leu; replaces arginine 2688 with leucine.
Molecular consequence: missense variant.
Genome position (GRCh38, 1-based): chr1:43,442,530, G>T. VCF-style: chr1-43442530-G-T. GRCh37 (hg19) VCF-style: chr1-43908201-G-T.
Other names: c.7892G>T, p.Arg2631Leu (NM_015284.4); short protein forms R2631L, R2688L.
Identifiers: ClinVar variation 2786871 (VCV002786871.3), dbSNP rs757580133, ClinGen allele CA340037435.

ClinVar aggregate classification (germline): Uncertain significance (1 of 4 stars; one submission).

Submission:

Labcorp Genetics (formerly Invitae), Labcorp
Classification: Uncertain significance. Last evaluated: 2023-04-09. Review status: criteria provided, single submitter. Criteria: Invitae Variant Classification Sherloc (09022015). Collection method: clinical testing. Allele origin: germline.
Comment: In summary, the available evidence is currently insufficient to determine the role of this variant in disease. Therefore, it has been classified as a Variant of Uncertain Significance. Advanced modeling of protein sequence and biophysical properties (such as structural, functional, and spatial information, amino acid conservation, physicochemical variation, residue mobility, and thermodynamic stability) performed at Invitae indicates that this missense variant is expected to disrupt SZT2 protein function. This variant has not been reported in the literature in individuals affected with SZT2-related conditions. This variant is not present in population databases (gnomAD no frequency). This sequence change replaces arginine, which is basic and polar, with leucine, which is neutral and non-polar, at codon 2631 of the SZT2 protein (p.Arg2631Leu).